The following is an entry in ClinVar:

NM_025257.3(SLC44A4):c.716C>T (p.Ala239Val)

Gene: SLC44A4 (solute carrier family 44 member 4; minus strand). Cytogenetic location: 6p21.33.
Variant type: single nucleotide variant.
Coding change: c.716C>T on transcript NM_025257.3 (MANE Select); coding-DNA position 716, C replaced by T.
Protein change: p.Ala239Val; replaces alanine 239 with valine.
Molecular consequence: missense variant.
Genome position (GRCh38, 1-based): chr6:31,871,033, G>A on the plus strand (C>T on the coding strand, the complement: SLC44A4 is on the minus strand). VCF-style: chr6-31871033-G-A. GRCh37 (hg19) VCF-style: chr6-31838810-G-A.
Other names: c.590C>T, p.Ala197Val (NM_001178044.2); c.488C>T, p.Ala163Val (NM_001178045.2); short protein forms A163V, A239V, A197V.
Identifiers: ClinVar variation 4168384 (VCV004168384.2).

ClinVar aggregate classification (germline): Uncertain significance. Review status: criteria provided, multiple submitters, no conflicts (2 of 4 stars). 2 submissions from 2 submitters: Uncertain significance (2). Last evaluated 2025-09-09.

gnomAD v4.1: 27 of 1,608,054 alleles (0.0017%); highest among the groups gnomAD compares: Non-Finnish European, 0.0023%; no homozygotes.

Submissions (2):

Labcorp Genetics (formerly Invitae), Labcorp
Classification: Uncertain significance. Last evaluated: 2025-09-09. Review status: criteria provided, single submitter. Criteria: Invitae Variant Classification Sherloc (09022015). Collection method: clinical testing. Allele origin: germline.
Comment: This sequence change replaces alanine, which is neutral and non-polar, with valine, which is neutral and non-polar, at codon 239 of the SLC44A4 protein (p.Ala239Val). This variant is present in population databases (no rsID available, gnomAD 0.003%). This variant has not been reported in the literature in individuals affected with SLC44A4-related conditions. Invitae Evidence Modeling of protein sequence and biophysical properties (such as structural, functional, and spatial information, amino acid conservation, physicochemical variation, residue mobility, and thermodynamic stability) indicates that this missense variant is not expected to disrupt SLC44A4 protein function with a negative predictive value of 80%. In summary, the available evidence is currently insufficient to determine the role of this variant in disease. Therefore, it has been classified as a Variant of Uncertain Significance.

Ambry Genetics
Classification: Uncertain significance. Last evaluated: 2025-08-30. Review status: criteria provided, single submitter. Criteria: Ambry Variant Classification Scheme 2023. Collection method: clinical testing. Allele origin: germline.